The following is an entry in ClinVar:

NM_001145252.3(CFP):c.512G>C (p.Gly171Ala)

Gene: CFP (complement factor properdin; minus strand). Cytogenetic location: Xp11.23.
Variant type: single nucleotide variant.
Coding change: c.512G>C on transcript NM_001145252.3 (MANE Select); coding-DNA position 512, G replaced by C.
Protein change: p.Gly171Ala; replaces glycine 171 with alanine.
Molecular consequence: missense variant.
Genome position (GRCh38, 1-based): chrX:47,627,533, C>G on the plus strand (G>C on the coding strand, the complement: CFP is on the minus strand). VCF-style: chrX-47627533-C-G. GRCh37 (hg19) VCF-style: chrX-47486932-C-G.
Other names: c.512G>C, p.Gly171Ala (NM_002621.2); short protein forms G171A.
Identifiers: ClinVar variation 3651872 (VCV003651872.2).

ClinVar aggregate classification (germline): Uncertain significance (1 of 4 stars; one submission).

Submission:

Labcorp Genetics (formerly Invitae), Labcorp
Classification: Uncertain significance. Last evaluated: 2024-07-12. Review status: criteria provided, single submitter. Criteria: Invitae Variant Classification Sherloc (09022015). Collection method: clinical testing. Allele origin: germline.
Comment: This sequence change replaces glycine, which is neutral and non-polar, with alanine, which is neutral and non-polar, at codon 171 of the CFP protein (p.Gly171Ala). This variant is not present in population databases (gnomAD no frequency). This variant has not been reported in the literature in individuals affected with CFP-related conditions. Advanced modeling of protein sequence and biophysical properties (such as structural, functional, and spatial information, amino acid conservation, physicochemical variation, residue mobility, and thermodynamic stability) has been performed at Invitae for this missense variant, however the output from this modeling did not meet the statistical confidence thresholds required to predict the impact of this variant on CFP protein function. In summary, the available evidence is currently insufficient to determine the role of this variant in disease. Therefore, it has been classified as a Variant of Uncertain Significance.